The following is an entry in ClinVar:

NM_001079802.2(FKTN):c.1379T>C (p.Leu460Ser)

Gene: FKTN (fukutin; plus strand). Cytogenetic location: 9q31.2.
Variant type: single nucleotide variant.
Coding change: c.1379T>C on transcript NM_001079802.2 (MANE Select); coding-DNA position 1379, T replaced by C.
Protein change: p.Leu460Ser; replaces leucine 460 with serine.
Molecular consequence: missense variant. On other transcripts: 3 prime UTR variant (1), non-coding transcript variant (2), intron variant (1).
Genome position (GRCh38, 1-based): chr9:105,635,257, T>C. VCF-style: chr9-105635257-T-C. GRCh37 (hg19) VCF-style: chr9-108397538-T-C.
Other names: c.1379T>C, p.Leu460Ser (NM_001351496.2, NM_006731.2); c.1310T>C, p.Leu437Ser (NM_001351497.2); c.*171T>C (NM_001351498.2); c.983T>C, p.Leu328Ser (NM_001351499.2, NM_001351500.2, NM_001351501.2 and 1 more transcripts); c.1270+109T>C (NM_001198963.2); short protein forms L328S, L437S, L460S.
Identifiers: ClinVar variation 837781 (VCV000837781.10), dbSNP rs1833947279, ClinGen allele CA374378459.
Genomic context (GRCh38, chr9:105,635,257, plus strand): 5'-CTCCCAATGTGCAACCCAATGGAATCTGGCCTATTTCTGAGTGGGATGAGGTTATCCAGT[T>C]ATATTGAGATAGTAGGTTGAAATGGGAGAATTTCTCTTTTGGAAAAAAAGGTAGATAACT-3'
Protein context (NP_001073270.1, residues 450-461): PISEWDEVIQ[Leu460Ser]Y

ClinVar aggregate classification (germline): Uncertain significance (1 of 4 stars; one submission).

Conditions:
Walker-Warburg congenital muscular dystrophy. Also called: Muscular dystrophy-dystroglycanopathy, type A; Walker-Warburg syndrome. Identifiers: Orphanet 899, MedGen C0265221, MONDO:0000171.

Submission:

Labcorp Genetics (formerly Invitae), Labcorp
Classification: Uncertain significance for Walker-Warburg congenital muscular dystrophy. Last evaluated: 2019-12-27. Review status: criteria provided, single submitter. Criteria: Invitae Variant Classification Sherloc (09022015). Collection method: clinical testing. Allele origin: germline.
Comment: In summary, the available evidence is currently insufficient to determine the role of this variant in disease. Therefore, it has been classified as a Variant of Uncertain Significance. Algorithms developed to predict the effect of missense changes on protein structure and function are either unavailable or do not agree on the potential impact of this missense change (SIFT: "Deleterious"; PolyPhen-2: "Possibly Damaging"; Align-GVGD: "Class C0"). This variant has not been reported in the literature in individuals with FKTN-related conditions. This variant is not present in population databases (ExAC no frequency). This sequence change replaces leucine with serine at codon 460 of the FKTN protein (p.Leu460Ser). The leucine residue is weakly conserved and there is a large physicochemical difference between leucine and serine.